The following is an entry in ClinVar:

ClinVar aggregate classification (germline): Uncertain significance. Review status: criteria provided, multiple submitters, no conflicts (2 of 4 stars). 2 submissions from 2 submitters: Uncertain significance (2). Last evaluated 2023-08-03.

Allele frequency attached by ClinVar (database versions not stated): gnomAD exomes below 0.00001; ExAC 0.00002; gnomAD 0.00004; TOPMed 0.00004; ESP Exome Variant Server 0.00008.
gnomAD v4.1: 10 of 1,614,090 alleles (0.00062%); highest among the groups gnomAD compares: African/African-American, 0.013%; no homozygotes.

Submissions (2):

Women's Health and Genetics/Laboratory Corporation of America, LabCorp
Classification: Uncertain significance. Last evaluated: 2023-08-03. Review status: criteria provided, single submitter. Criteria: LabCorp Variant Classification Summary - May 2015. Collection method: clinical testing. Allele origin: germline.
Comment: Variant summary: ARHGAP31 c.4088C>T (p.Ser1363Leu) results in a non-conservative amino acid change in the encoded protein sequence. Four of five in-silico tools predict a damaging effect of the variant on protein function. The variant allele was found at a frequency of 8e-06 in 249228 control chromosomes. The available data on variant occurrences in the general population are insufficient to allow any conclusion about variant significance. To our knowledge, no occurrence of c.4088C>T in individuals affected with Adams-Oliver Syndrome 1 and no experimental evidence demonstrating its impact on protein function have been reported. No submitters have cited clinical-significance assessments for this variant to ClinVar after 2014. Based on the evidence outlined above, the variant was classified as uncertain significance.

Labcorp Genetics (formerly Invitae), Labcorp
Classification: Uncertain significance. Last evaluated: 2023-03-13. Review status: criteria provided, single submitter. Criteria: Invitae Variant Classification Sherloc (09022015). Collection method: clinical testing. Allele origin: germline.
Comment: An algorithm developed to predict the effect of missense changes on protein structure and function (PolyPhen-2) suggests that this variant is likely to be tolerated. In summary, the available evidence is currently insufficient to determine the role of this variant in disease. Therefore, it has been classified as a Variant of Uncertain Significance. This variant has not been reported in the literature in individuals affected with ARHGAP31-related conditions. This variant is present in population databases (rs369678396, gnomAD 0.02%). This sequence change replaces serine, which is neutral and polar, with leucine, which is neutral and non-polar, at codon 1363 of the ARHGAP31 protein (p.Ser1363Leu).

NM_020754.4(ARHGAP31):c.4088C>T (p.Ser1363Leu)

Gene: ARHGAP31 (Rho GTPase activating protein 31; plus strand). Cytogenetic location: 3q13.33.
Variant type: single nucleotide variant.
Coding change: c.4088C>T on transcript NM_020754.4 (MANE Select); coding-DNA position 4088, C replaced by T.
Protein change: p.Ser1363Leu; replaces serine 1363 with leucine.
Molecular consequence: missense variant.
Genome position (GRCh38, 1-based): chr3:119,416,017, C>T. VCF-style: chr3-119416017-C-T. GRCh37 (hg19) VCF-style: chr3-119134864-C-T.
Other names: short protein forms S1363L.
Identifiers: ClinVar variation 2581400 (VCV002581400.4), dbSNP rs369678396, ClinGen allele CA2554295.